The following is an entry in ClinVar:

NM_001035.3(RYR2):c.2145A>T (p.Gly715=)

Gene: RYR2 (ryanodine receptor 2; plus strand). Cytogenetic location: 1q43.
Variant type: single nucleotide variant.
Coding change: c.2145A>T on transcript NM_001035.3 (MANE Select); coding-DNA position 2145, A replaced by T.
Protein change: p.Gly715=; no amino-acid change (glycine 715 retained).
Molecular consequence: synonymous variant.
Genome position (GRCh38, 1-based): chr1:237,496,694, A>T. VCF-style: chr1-237496694-A-T. GRCh37 (hg19) VCF-style: chr1-237659994-A-T.
Identifiers: ClinVar variation 923986 (VCV000923986.12), dbSNP rs764163453, ClinGen allele CA424030765.

ClinVar aggregate classification (germline): Likely benign. Review status: criteria provided, multiple submitters, no conflicts (2 of 4 stars). 3 submissions from 3 submitters: Likely benign (3). Last evaluated 2025-01-19.

Conditions:
Catecholaminergic polymorphic ventricular tachycardia (CVPT). Also called: Catecholamine-induced polymorphic ventricular tachycardia. Identifiers: Orphanet 3286, MedGen C5574922, MONDO:0017990.
Cardiomyopathy (CMYO). Also called: Cardiomyopathies. Identifiers: Orphanet 167848, MedGen C0878544, MONDO:0004994, HP:0001638. Inheritance: Various modes of inheritance.
Catecholaminergic polymorphic ventricular tachycardia 1. Also called: VENTRICULAR TACHYCARDIA, CATECHOLAMINERGIC POLYMORPHIC, 1, WITH OR WITHOUT ATRIAL DYSFUNCTION AND/OR DILATED CARDIOMYOPATHY; RYR2-Related Catecholaminergic Polymorphic Ventricular Tachycardia; VENTRICULAR TACHYCARDIA, STRESS-INDUCED POLYMORPHIC 1. Identifiers: Orphanet 3286, MedGen C1631597, MONDO:0011484, OMIM 604772.

Allele frequency attached by ClinVar (database versions not stated): gnomAD exomes below 0.00001.
gnomAD v4.1: 1 of 1,613,870 alleles (0.000062%); highest among the groups gnomAD compares: East Asian, 0.0022%; no homozygotes.

Submissions (3):

Labcorp Genetics (formerly Invitae), Labcorp
Classification: Likely benign for Catecholaminergic polymorphic ventricular tachycardia 1. Last evaluated: 2025-01-19. Review status: criteria provided, single submitter. Criteria: Invitae Variant Classification Sherloc (09022015). Collection method: clinical testing. Allele origin: germline.

All of Us Research Program, National Institutes of Health
Classification: Likely benign for Catecholaminergic polymorphic ventricular tachycardia. Last evaluated: 2024-03-24. Review status: criteria provided, single submitter. Criteria: ACMG Guidelines, 2015. Collection method: clinical testing. Allele origin: germline. Inheritance: Autosomal dominant inheritance. Observed: 1 variant allele, 1 heterozygote.
Comment: This study involves interpretation of variants in research participants for the purpose of population health screening. Participant phenotype was not available at the time of variant classification. Additional details can be found in publication PMID: 35346344, PMCID: PMC8962531

Color Diagnostics, LLC DBA Color Health
Classification: Likely benign for Cardiomyopathy. Last evaluated: 2018-12-10. Review status: criteria provided, single submitter. Criteria: ACMG Guidelines, 2015. Collection method: clinical testing. Allele origin: germline.